The following is an entry in ClinVar:

ClinVar aggregate classification (germline): Uncertain significance. Review status: criteria provided, multiple submitters, no conflicts (2 of 4 stars). 2 submissions from 2 submitters: Uncertain significance (2). Last evaluated 2025-11-26.

Conditions:
Hereditary cancer-predisposing syndrome. Also called: Tumor predisposition; Hereditary neoplastic syndrome; Neoplastic Syndromes, Hereditary; Hereditary Cancer Syndrome. Identifiers: Orphanet 140162, MedGen C0027672, MeSH D009386, MONDO:0015356.
Familial adenomatous polyposis 1 (FAP1). Also called: FAMILIAL ADENOMATOUS POLYPOSIS 1, ATTENUATED; POLYPOSIS, ADENOMATOUS INTESTINAL. Identifiers: MedGen C2713442, MONDO:0021056, OMIM 175100. Disease mechanism: loss of function.

Allele frequency attached by ClinVar (database versions not stated): gnomAD exomes below 0.00001.
gnomAD v4.1: 1 of 1,613,896 alleles (0.000062%); highest among the groups gnomAD compares: South Asian, 0.0011%; no homozygotes.

Submissions (2):

Ambry Genetics
Classification: Uncertain significance for Hereditary cancer-predisposing syndrome. Last evaluated: 2025-11-26. Review status: criteria provided, single submitter. Criteria: Ambry Variant Classification Scheme 2023. Collection method: clinical testing. Allele origin: germline.
Comment: The p.T1773A variant (also known as c.5317A>G), located in coding exon 15 of the APC gene, results from an A to G substitution at nucleotide position 5317. The threonine at codon 1773 is replaced by alanine, an amino acid with similar properties. This amino acid position is conserved. In addition, in silico predictors for this gene do not accurately predict pathogenicity. Based on the available evidence, the clinical significance of this variant remains unclear.

Labcorp Genetics (formerly Invitae), Labcorp
Classification: Uncertain significance for Familial adenomatous polyposis 1. Last evaluated: 2022-01-26. Review status: criteria provided, single submitter. Criteria: Invitae Variant Classification Sherloc (09022015). Collection method: clinical testing. Allele origin: germline.
Comment: This sequence change replaces threonine, which is neutral and polar, with alanine, which is neutral and non-polar, at codon 1773 of the APC protein (p.Thr1773Ala). This variant is not present in population databases (gnomAD no frequency). This variant has not been reported in the literature in individuals affected with APC-related conditions. ClinVar contains an entry for this variant (Variation ID: 847431). Algorithms developed to predict the effect of missense changes on protein structure and function are either unavailable or do not agree on the potential impact of this missense change (SIFT: "Deleterious"; PolyPhen-2: "Probably Damaging"; Align-GVGD: "Class C0"). In summary, the available evidence is currently insufficient to determine the role of this variant in disease. Therefore, it has been classified as a Variant of Uncertain Significance.

NM_000038.6(APC):c.5317A>G (p.Thr1773Ala)

Gene: APC (APC regulator of Wnt signaling pathway; plus strand). Cytogenetic location: 5q22.2.
Variant type: single nucleotide variant.
Coding change: c.5317A>G on transcript NM_000038.6 (MANE Select); coding-DNA position 5317, A replaced by G.
Protein change: p.Thr1773Ala; replaces threonine 1773 with alanine.
Molecular consequence: missense variant.
Genome position (GRCh38, 1-based): chr5:112,840,911, A>G. VCF-style: chr5-112840911-A-G. GRCh37 (hg19) VCF-style: chr5-112176608-A-G.
Other names: c.5317A>G, p.Thr1773Ala (NM_001127510.3, NM_001354895.2); c.5263A>G, p.Thr1755Ala (NM_001127511.3); c.5371A>G, p.Thr1791Ala (NM_001354896.2); c.5347A>G, p.Thr1783Ala (NM_001354897.2); c.5242A>G, p.Thr1748Ala (NM_001354898.2); c.5233A>G, p.Thr1745Ala (NM_001354899.2); c.5194A>G, p.Thr1732Ala (NM_001354900.2); c.5140A>G, p.Thr1714Ala (NM_001354901.2); and 5 more; short protein forms T1714A, T1745A, T1672A, T1773A, T1791A, T1647A, T1755A, T1783A.
Identifiers: ClinVar variation 847431 (VCV000847431.50), dbSNP rs1765922734, ClinGen allele CA16032958.